The following is an entry in ClinVar:

NM_014413.4(EIF2AK1):c.1448-17G>A

Gene: EIF2AK1 (eukaryotic translation initiation factor 2 alpha kinase 1; minus strand). Cytogenetic location: 7p22.1.
Variant type: single nucleotide variant.
Coding change: c.1448-17G>A on transcript NM_014413.4 (MANE Select); 17 bases into the intron before coding-DNA position 1448, G replaced by A.
Molecular consequence: intron variant.
Genome position (GRCh38, 1-based): chr7:6,028,714, C>T on the plus strand (G>A on the coding strand, the complement: EIF2AK1 is on the minus strand). VCF-style: chr7-6028714-C-T. GRCh37 (hg19) VCF-style: chr7-6068345-C-T.
Other names: c.1445-17G>A (NM_001134335.2).
Identifiers: ClinVar variation 2780877 (VCV002780877.3), dbSNP rs746043505, ClinGen allele CA4150738.
Genomic context (GRCh38, chr7:6,028,714, plus strand): 5'-AGCGTACAGACAAGTACCCACTCTGGACGTATGTGTTGGTGTTCCTATCATTTCAAAAGC[C>T]ACATATTAAACATTGCAGTTAGCGCTGTCAACATTAAAGAACATTTACTATGAGGAAGCA-3'

ClinVar aggregate classification (germline): Uncertain significance (1 of 4 stars; one submission).

Allele frequency attached by ClinVar (database versions not stated): gnomAD exomes below 0.00001.

Submission:

Labcorp Genetics (formerly Invitae), Labcorp
Classification: Uncertain significance. Last evaluated: 2024-01-07. Review status: criteria provided, single submitter. Criteria: Invitae Variant Classification Sherloc (09022015). Collection method: clinical testing. Allele origin: germline.
Comment: This sequence change falls in intron 12 of the EIF2AK1 gene. It does not directly change the encoded amino acid sequence of the EIF2AK1 protein. This variant is present in population databases (rs746043505, gnomAD 0.0009%). This variant has not been reported in the literature in individuals affected with EIF2AK1-related conditions. Algorithms developed to predict the effect of sequence changes on RNA splicing suggest that this variant may disrupt the consensus splice site. In summary, the available evidence is currently insufficient to determine the role of this variant in disease. Therefore, it has been classified as a Variant of Uncertain Significance.